The following is an entry in ClinVar:

ClinVar aggregate classification (germline): Uncertain significance (1 of 4 stars; one submission).

Conditions:
LEPR-related disorder. Also called: LEPR-related disorders; LEPR-related condition.

Submission:

PreventionGenetics, part of Exact Sciences
Classification: Uncertain significance for LEPR-related condition. Last evaluated: 2025-12-28. Review status: criteria provided, single submitter. Criteria: ACMG Guidelines, 2015. Collection method: clinical testing. Allele origin: germline.
Comment: The LEPR c.140T>C variant is predicted to result in the amino acid substitution p.Phe47Ser. In vitro functional studies showed inconclusive evidence of loss of function (Supplemental Data Set, Shah et al. 2023. PubMed ID: 36864747). This variant has not been reported in a large population database (gnomAD), indicating this variant is rare. At this time, the clinical significance of this variant is uncertain due to the absence of conclusive functional and genetic evidence.

NM_002303.6(LEPR):c.140T>C (p.Phe47Ser)

Gene: LEPR (leptin receptor; plus strand). Cytogenetic location: 1p31.3.
Variant type: single nucleotide variant.
Coding change: c.140T>C on transcript NM_002303.6 (MANE Select); coding-DNA position 140, T replaced by C.
Protein change: p.Phe47Ser; replaces phenylalanine 47 with serine.
Molecular consequence: missense variant.
Genome position (GRCh38, 1-based): chr1:65,570,572, T>C. VCF-style: chr1-65570572-T-C. GRCh37 (hg19) VCF-style: chr1-66036255-T-C.
Other names: c.140T>C, p.Phe47Ser (NM_001003679.3, NM_001003680.3, NM_001198687.2 and 2 more transcripts); short protein forms F47S.
Identifiers: ClinVar variation 4993073 (VCV004993073.1).